The following is an entry in ClinVar:

NM_007009.3(ZPBP):c.50G>C (p.Arg17Pro)

Gene: ZPBP (zona pellucida binding protein; minus strand). Cytogenetic location: 7p12.2.
Variant type: single nucleotide variant.
Coding change: c.50G>C on transcript NM_007009.3 (MANE Select); coding-DNA position 50, G replaced by C.
Protein change: p.Arg17Pro; replaces arginine 17 with proline.
Molecular consequence: missense variant.
Genome position (GRCh38, 1-based): chr7:50,093,145, C>G on the plus strand (G>C on the coding strand, the complement: ZPBP is on the minus strand). VCF-style: chr7-50093145-C-G. GRCh37 (hg19) VCF-style: chr7-50132741-C-G.
Other names: c.50G>C, p.Arg17Pro (NM_001159878.2); short protein forms R17P.
Identifiers: ClinVar variation 775248 (VCV000775248.9), dbSNP rs202231065, ClinGen allele CA4260989.

ClinVar aggregate classification (germline): Benign. Review status: criteria provided, multiple submitters, no conflicts (2 of 4 stars). 4 submissions from 4 submitters: Benign (3). 1 of the submissions does not count toward it. Last evaluated 2020-01-06.

Conditions:
ZPBP-related disorder. Also called: ZPBP-related condition.

Allele frequency attached by ClinVar (database versions not stated): ESP Exome Variant Server 0.00122; 1000 Genomes Project 0.00140; 1000 Genomes Project 30x 0.00187; TOPMed 0.00618.
gnomAD v4.1: 10,615 of 1,545,074 alleles (0.69%); highest among the groups gnomAD compares: Middle Eastern, 2.2%; 59 homozygotes.

Submissions (4):

Dubai Health Genomic Medicine Center, Dubai Health
Classification: Benign. Last evaluated: 2020-01-06. Review status: criteria provided, single submitter. Criteria: ACMG Guidelines, 2015. Collection method: clinical testing. Allele origin: germline. Affected: yes.

Labcorp Genetics (formerly Invitae), Labcorp
Classification: Benign. Last evaluated: 2019-12-31. Review status: criteria provided, single submitter. Criteria: Invitae Variant Classification Sherloc (09022015). Collection method: clinical testing. Allele origin: germline.

Breakthrough Genomics
Classification: Benign. Review status: criteria provided, single submitter. Criteria: ACMG Guidelines, 2015. Collection method: not provided. Allele origin: germline. Inheritance: Autosomal recessive inheritance. Affected: yes.

PreventionGenetics, part of Exact Sciences
Classification: Likely benign for ZPBP-related condition. Last evaluated: 2019-02-28. Review status: no assertion criteria provided. Collection method: clinical testing. Allele origin: germline. Not counted in ClinVar's aggregate classification.
Comment: This variant is classified as likely benign based on ACMG/AMP sequence variant interpretation guidelines (Richards et al. 2015 PMID: 25741868, with internal and published modifications).